The following is an entry in ClinVar:

ClinVar aggregate classification (germline): Uncertain significance (1 of 4 stars; one submission).

Submission:

GeneDx
Classification: Uncertain significance. Last evaluated: 2023-05-31. Review status: criteria provided, single submitter. Criteria: GeneDx Variant Classification Process June 2021. Collection method: clinical testing. Allele origin: germline. Affected: yes.
Comment: In silico analysis supports that this missense variant has a deleterious effect on protein structure/function; Has not been previously published as pathogenic or benign to our knowledge

NM_020821.3(VPS13C):c.7298C>T (p.Pro2433Leu)

Gene: VPS13C (vacuolar protein sorting 13 homolog C; minus strand). Cytogenetic location: 15q22.2.
Variant type: single nucleotide variant.
Coding change: c.7298C>T on transcript NM_020821.3 (MANE Select); coding-DNA position 7298, C replaced by T.
Protein change: p.Pro2433Leu; replaces proline 2433 with leucine.
Molecular consequence: missense variant.
Genome position (GRCh38, 1-based): chr15:61,920,246, G>A on the plus strand (C>T on the coding strand, the complement: VPS13C is on the minus strand). VCF-style: chr15-61920246-G-A. GRCh37 (hg19) VCF-style: chr15-62212445-G-A.
Other names: c.7298C>T, p.Pro2433Leu (NM_001018088.3); c.7169C>T, p.Pro2390Leu (NM_017684.5, NM_018080.4); short protein forms P2390L, P2433L.
Identifiers: ClinVar variation 3361960 (VCV003361960.1).